The following is an entry in ClinVar:

ClinVar aggregate classification (germline): Benign/Likely benign. Review status: criteria provided, multiple submitters, no conflicts (2 of 4 stars). 6 submissions from 6 submitters: Benign (4); Likely benign (2). Last evaluated 2026-09-01.

Conditions:
Connective tissue disorder. Also called: Connective tissue disease. Identifiers: MedGen C0009782, MONDO:0003900.

Submissions (6):

CeGaT Center for Human Genetics Tuebingen
Classification: Benign. Last evaluated: 2026-09-01. Review status: criteria provided, single submitter. Criteria: CeGaT Center For Human Genetics Tuebingen Variant Classification Criteria Version 2. Collection method: clinical testing. Allele origin: germline. Affected: yes. Observed: 2 variant alleles.
Comment: COL9A3: BS1, BS2

Labcorp Genetics (formerly Invitae), Labcorp
Classification: Benign. Last evaluated: 2026-01-27. Review status: criteria provided, single submitter. Criteria: Invitae Variant Classification Sherloc (09022015). Collection method: clinical testing. Allele origin: germline.

Blueprint Genetics
Classification: Likely benign. Last evaluated: 2024-11-25. Review status: criteria provided, single submitter. Criteria: ACMG Guidelines, 2015. Collection method: clinical testing. Allele origin: germline.

Genome Diagnostics Laboratory, The Hospital for Sick Children
Classification: Benign for Connective tissue disorder. Last evaluated: 2021-07-16. Review status: criteria provided, single submitter. Criteria: ACMG Guidelines, 2015. Collection method: clinical testing. Allele origin: germline.

GeneDx
Classification: Likely benign. Last evaluated: 2018-12-17. Review status: criteria provided, single submitter. Criteria: GeneDx Variant Classification Process June 2021. Collection method: clinical testing. Allele origin: germline. Affected: yes.

Eurofins Ntd Llc (ga)
Classification: Benign. Last evaluated: 2017-07-17. Review status: criteria provided, single submitter. Criteria: EGL Classification Definitions 2015. Collection method: clinical testing. Allele origin: germline. Observed: 1 variant allele, 1 heterozygote.

NM_001853.4(COL9A3):c.93CGGCCCCCC[1] (p.33PPG[2])

Gene: COL9A3 (collagen type IX alpha 3 chain; plus strand). Cytogenetic location: 20q13.33.
Variant type: Microsatellite.
Coding change: c.93CGGCCCCCC[1] on transcript NM_001853.4 (MANE Select); one copy of the 9-base unit CGGCCCCCC starting at c.93; the reference has two copies in a row; one copy, 9 bases deleted; also written c.102_110del.
Protein change: p.33PPG[2].
Molecular consequence: inframe deletion.
Genome position (GRCh38, 1-based): chr20:62,817,590-62,817,598, CGGCCCCCC deleted; deleting any 9 consecutive bases within chr20:62,817,578-62,817,598 gives the same sequence; the position shown is the placement nearest the transcript's 3' end. VCF-style (leftmost placement, unchanged base first): chr20-62817577-TCCCCGGCCC-T. GRCh37 (hg19) VCF-style: chr20-61448929-TCCCCGGCCC-T.
Other names: c.102_110del (NM_001853.3); c.90_98delCCCCGGCCC (NM_001853.3).
Identifiers: ClinVar variation 339265 (VCV000339265.28), dbSNP rs544133282, ClinGen allele CA9948999.